The following is an entry in ClinVar:

ClinVar aggregate classification (germline): Uncertain significance (1 of 4 stars; one submission).

Conditions:
Oligodontia-cancer predisposition syndrome. Also called: TOOTH AGENESIS-COLORECTAL CANCER SYNDROME. Identifiers: Orphanet 300576, MedGen C1837750, MONDO:0012075, OMIM 608615. Disease mechanism: loss of function.

Submission:

Labcorp Genetics (formerly Invitae), Labcorp
Classification: Uncertain significance for Oligodontia-cancer predisposition syndrome. Last evaluated: 2024-09-18. Review status: criteria provided, single submitter. Criteria: Invitae Variant Classification Sherloc (09022015). Collection method: clinical testing. Allele origin: germline.
Comment: This sequence change replaces tyrosine, which is neutral and polar, with histidine, which is basic and polar, at codon 138 of the AXIN2 protein (p.Tyr138His). This variant is not present in population databases (gnomAD no frequency). This variant has not been reported in the literature in individuals affected with AXIN2-related conditions. Invitae Evidence Modeling of protein sequence and biophysical properties (such as structural, functional, and spatial information, amino acid conservation, physicochemical variation, residue mobility, and thermodynamic stability) indicates that this missense variant is expected to disrupt AXIN2 protein function with a positive predictive value of 80%. In summary, the available evidence is currently insufficient to determine the role of this variant in disease. Therefore, it has been classified as a Variant of Uncertain Significance.

NM_004655.4(AXIN2):c.412T>C (p.Tyr138His)

Gene: AXIN2 (axin 2; minus strand). Cytogenetic location: 17q24.1.
Variant type: single nucleotide variant.
Coding change: c.412T>C on transcript NM_004655.4 (MANE Select); coding-DNA position 412, T replaced by C.
Protein change: p.Tyr138His; replaces tyrosine 138 with histidine.
Molecular consequence: missense variant.
Genome position (GRCh38, 1-based): chr17:65,558,209, A>G on the plus strand (T>C on the coding strand, the complement: AXIN2 is on the minus strand). VCF-style: chr17-65558209-A-G. GRCh37 (hg19) VCF-style: chr17-63554327-A-G.
Other names: c.412T>C, p.Tyr138His (NM_001363813.1); short protein forms Y138H.
Identifiers: ClinVar variation 2971371 (VCV002971371.3), dbSNP rs2144586477, ClinGen allele CA400681449.
Genomic context (GRCh38, chr17:65,558,209, plus strand): 5'-TTATGTAGGTCTTGGTGGCAGGCTTCAGCTGCTTGGAGACAATGCTGTTGTTCTCAATGT[A>G]CCTTTTGTAGATCGCTTTGGCTACTCGTAAAGTTTTGGTATCCTTCAGGTTCATCTGCCT-3'
Protein context (NP_004646.3, residues 128-148): LRVAKAIYKR[Tyr138His]IENNSIVSKQ